The following is an entry in ClinVar:

NM_006929.5(SKIC2):c.874C>T (p.Pro292Ser)

Gene: SKIC2 (SKI2 subunit of superkiller complex; plus strand). Cytogenetic location: 6p21.33.
Variant type: single nucleotide variant.
Coding change: c.874C>T on transcript NM_006929.5 (MANE Select); coding-DNA position 874, C replaced by T.
Protein change: p.Pro292Ser; replaces proline 292 with serine.
Molecular consequence: missense variant.
Genome position (GRCh38, 1-based): chr6:31,961,631, C>T. VCF-style: chr6-31961631-C-T. GRCh37 (hg19) VCF-style: chr6-31929408-C-T.
Other names: short protein forms P292S.
Identifiers: ClinVar variation 1975530 (VCV001975530.2), dbSNP rs1409515150, ClinGen allele CA363446665.
Genomic context (GRCh38, chr6:31,961,631, plus strand): 5'-CCAGAGGCCCCAGAGCCTCCATCTCAGGAGCAGTGGGCCATCCCTGTGGACGCCACCTCC[C>T]CTGTTGGTGATTTCTATCGCCTCATTCCCCAGCCAGCCTTCCAGGTACTTTGGCCCCATC-3'
Protein context (NP_008860.4, residues 282-302): QWAIPVDATS[Pro292Ser]VGDFYRLIPQ

ClinVar aggregate classification (germline): Uncertain significance (1 of 4 stars; one submission).

Allele frequency attached by ClinVar (database versions not stated): gnomAD exomes below 0.00001; gnomAD 0.00002.
gnomAD v4.1: 5 of 1,612,942 alleles (0.00031%); highest among the groups gnomAD compares: African/African-American, 0.0027%; no homozygotes.

Submission:

Labcorp Genetics (formerly Invitae), Labcorp
Classification: Uncertain significance. Last evaluated: 2022-08-12. Review status: criteria provided, single submitter. Criteria: Invitae Variant Classification Sherloc (09022015). Collection method: clinical testing. Allele origin: germline.
Comment: This sequence change replaces proline, which is neutral and non-polar, with serine, which is neutral and polar, at codon 292 of the SKIV2L protein (p.Pro292Ser). This variant is present in population databases (no rsID available, gnomAD 0.003%). This variant has not been reported in the literature in individuals affected with SKIV2L-related conditions. Algorithms developed to predict the effect of missense changes on protein structure and function are either unavailable or do not agree on the potential impact of this missense change (SIFT: "Tolerated"; PolyPhen-2: "Possibly Damaging"; Align-GVGD: "Class C0"). In summary, the available evidence is currently insufficient to determine the role of this variant in disease. Therefore, it has been classified as a Variant of Uncertain Significance.